The following is an entry in ClinVar:

ClinVar aggregate classification (germline): Benign. Review status: criteria provided, single submitter (1 of 4 stars). 2 submissions from 2 submitters: Benign (1). 1 of the submissions does not count toward it. Last evaluated 2019-12-31.

Conditions:
LGI4-related disorder. Also called: LGI4-related condition.

Allele frequency attached by ClinVar (database versions not stated): gnomAD exomes 0.00009 and 0.00027; 1000 Genomes Project 30x 0.00047; 1000 Genomes Project 0.00060; ExAC 0.00060; ESP Exome Variant Server 0.00077; gnomAD 0.00107 and 0.00118; TOPMed 0.00125.

Submissions (2):

Labcorp Genetics (formerly Invitae), Labcorp
Classification: Benign. Last evaluated: 2019-12-31. Review status: criteria provided, single submitter. Criteria: Invitae Variant Classification Sherloc (09022015). Collection method: clinical testing. Allele origin: germline.

PreventionGenetics, part of Exact Sciences
Classification: Likely benign for LGI4-related condition. Last evaluated: 2019-07-15. Review status: no assertion criteria provided. Collection method: clinical testing. Allele origin: germline. Not counted in ClinVar's aggregate classification.
Comment: This variant is classified as likely benign based on ACMG/AMP sequence variant interpretation guidelines (Richards et al. 2015 PMID: 25741868, with internal and published modifications).

NM_139284.3(LGI4):c.294C>A (p.Gly98=)

Gene: LGI4 (leucine rich repeat LGI family member 4; minus strand). Cytogenetic location: 19q13.12.
Variant type: single nucleotide variant.
Coding change: c.294C>A on transcript NM_139284.3 (MANE Select); coding-DNA position 294, C replaced by A.
Protein change: p.Gly98=; no amino-acid change (glycine 98 retained).
Molecular consequence: synonymous variant.
Genome position (GRCh38, 1-based): chr19:35,133,713, G>T on the plus strand (C>A on the coding strand, the complement: LGI4 is on the minus strand). VCF-style: chr19-35133713-G-T. GRCh37 (hg19) VCF-style: chr19-35624617-G-T.
Identifiers: ClinVar variation 734212 (VCV000734212.6), dbSNP rs146088588, ClinGen allele CA9373402.
Genomic context (GRCh38, chr19:35,133,713, plus strand): 5'-TGCCCAGACCCACCTGCCTCCATCCCCTGGCCTCACTCACAGGTACTGCAGGTGGGACAG[G>T]CCCGCAAATGCATCGTCCTCAATCACGGAGAAGGAGTTGGAGGTGAAGAGGCTGGCAAGG-3'
Protein context (NP_644813.1, residues 88-108): FSVIEDDAFA[Gly98=]LSHLQYLFIE